The following is an entry in ClinVar:

NM_213599.3(ANO5):c.149G>A (p.Arg50Gln)

Gene: ANO5 (anoctamin 5; plus strand). Cytogenetic location: 11p14.3.
Variant type: single nucleotide variant.
Coding change: c.149G>A on transcript NM_213599.3 (MANE Select); coding-DNA position 149, G replaced by A.
Protein change: p.Arg50Gln; replaces arginine 50 with glutamine.
Molecular consequence: missense variant.
Genome position (GRCh38, 1-based): chr11:22,218,256, G>A. VCF-style: chr11-22218256-G-A. GRCh37 (hg19) VCF-style: chr11-22239802-G-A.
Other names: c.146G>A, p.Arg49Gln (NM_001142649.2); short protein forms R50Q, R49Q.
Identifiers: ClinVar variation 498218 (VCV000498218.19), dbSNP rs370084681, ClinGen allele CA5922818.

ClinVar aggregate classification (germline): Conflicting classifications of pathogenicity. Review status: criteria provided, conflicting classifications (1 of 4 stars). 4 submissions from 4 submitters: Uncertain significance (3); Likely benign (1). Last evaluated 2025-11-18.

Conditions:
Gnathodiaphyseal dysplasia (GDD). Also called: OSTEOGENESIS IMPERFECTA WITH UNUSUAL SKELETAL LESIONS; GNATHODIAPHYSEAL SCLEROSIS. Identifiers: Orphanet 53697, MedGen C1833736, MONDO:0008151, OMIM 166260.
Autosomal recessive limb-girdle muscular dystrophy type 2L (LGMDR12). Also called: Limb-girdle muscular dystrophy, type 2L; Limb-Girdle Muscular Dystrophy R12 Anoctamin-5-Related (LGMD-R12); MUSCULAR DYSTROPHY, LIMB-GIRDLE, AUTOSOMAL RECESSIVE 12. Identifiers: Orphanet 206549, MedGen C1969785, MONDO:0012652, OMIM 611307.

Allele frequency attached by ClinVar (database versions not stated): gnomAD exomes 0.00002 and 0.00006; ExAC 0.00007; ESP Exome Variant Server 0.00015; 1000 Genomes Project 30x 0.00016; gnomAD 0.00019 and 0.00021; TOPMed 0.00019; 1000 Genomes Project 0.00020.
gnomAD v4.1: 59 of 1,613,338 alleles (0.0037%); highest among the groups gnomAD compares: African/African-American, 0.056%; no homozygotes.

Submissions (4):

Labcorp Genetics (formerly Invitae), Labcorp
Classification: Likely benign for Autosomal recessive limb-girdle muscular dystrophy type 2L; Gnathodiaphyseal dysplasia. Last evaluated: 2025-11-18. Review status: criteria provided, single submitter. Criteria: Invitae Variant Classification Sherloc (09022015). Collection method: clinical testing. Allele origin: germline.

Revvity Omics, Revvity
Classification: Uncertain significance. Last evaluated: 2022-09-27. Review status: criteria provided, single submitter. Criteria: ACMG Guidelines, 2015. Collection method: clinical testing. Allele origin: germline.

GeneDx
Classification: Uncertain significance. Last evaluated: 2020-06-09. Review status: criteria provided, single submitter. Criteria: GeneDx Variant Classification Process June 2021. Collection method: clinical testing. Allele origin: germline. Affected: yes.
Comment: Observed heterozygous with no other variant in a patient with limb-girdle muscular dystrophy type 2L in published literature (Nallamilli et al., 2018); In silico analysis supports that this missense variant does not alter protein structure/function; This variant is associated with the following publications: (PMID: 30564623)

Eurofins Ntd Llc (ga)
Classification: Uncertain significance. Last evaluated: 2016-10-28. Review status: criteria provided, single submitter. Criteria: EGL Classification Definitions 2015. Collection method: clinical testing. Allele origin: germline. Observed: 1 variant allele, 1 heterozygote.